The following is an entry in ClinVar:

NM_000080.4(CHRNE):c.501-1G>C

Genes: CHRNE (cholinergic receptor nicotinic epsilon subunit; minus strand), C17orf107 (chromosome 17 open reading frame 107; plus strand). Cytogenetic location: 17p13.2.
Variant type: single nucleotide variant.
Coding change: c.501-1G>C on transcript NM_000080.4 (MANE Select); the canonical splice acceptor site of the intron before coding-DNA position 501, G replaced by C.
Molecular consequence: splice acceptor variant. On other transcripts: 3 prime UTR variant (1).
Genome position (GRCh38, 1-based): chr17:4,901,626, C>G on the plus strand (G>C on the coding strand, the complement: CHRNE is on the minus strand). VCF-style: chr17-4901626-C-G. GRCh37 (hg19) VCF-style: chr17-4804921-C-G.
Other names: c.*1093C>G (NM_001145536.2).
Identifiers: ClinVar variation 1997733 (VCV001997733.4), dbSNP rs2507557604, ClinGen allele CA397306047.

ClinVar aggregate classification (germline): Likely pathogenic (1 of 4 stars; one submission).

Conditions:
Congenital myasthenic syndrome 4A. Also called: CONGENITAL MYASTHENIC SYNDROME TYPE Ia1; Myasthenic syndrome, congenital, 4a, slow-channel; MYASTHENIC SYNDROME, CONGENITAL, 4A, SLOW-CHANNEL, AUTOSOMAL RECESSIVE. Identifiers: Orphanet 590, MedGen C4225413, MONDO:0011600, OMIM 605809.

Submission:

Labcorp Genetics (formerly Invitae), Labcorp
Classification: Likely pathogenic for Congenital myasthenic syndrome 4A. Last evaluated: 2022-05-21. Review status: criteria provided, single submitter. Criteria: Invitae Variant Classification Sherloc (09022015). Collection method: clinical testing. Allele origin: germline.
Comment: In summary, the currently available evidence indicates that the variant is pathogenic, but additional data are needed to prove that conclusively. Therefore, this variant has been classified as Likely Pathogenic. Algorithms developed to predict the effect of sequence changes on RNA splicing suggest that this variant may disrupt the consensus splice site. This variant has not been reported in the literature in individuals affected with CHRNE-related conditions. This variant is not present in population databases (gnomAD no frequency). This sequence change affects an acceptor splice site in intron 5 of the CHRNE gene. It is expected to disrupt RNA splicing. Variants that disrupt the donor or acceptor splice site typically lead to a loss of protein function (PMID: 16199547), and loss-of-function variants in CHRNE are known to be pathogenic (PMID: 22678886).

Literature cited by the submitters: PubMed 16199547; PubMed 22678886.